The following is an entry in ClinVar:

ClinVar aggregate classification (germline): Conflicting classifications of pathogenicity. Review status: criteria provided, conflicting classifications (1 of 4 stars). 4 submissions from 4 submitters: Likely pathogenic (2); Uncertain significance (2). Last evaluated 2026-04-07.

Conditions:
Retinitis pigmentosa 7 (RP7). Identifiers: Orphanet 791, MedGen C1842475, MONDO:0011974, OMIM 608133.

Submissions (4):

Bioscientia Institut fuer Medizinische Diagnostik GmbH, Sonic Healthcare
Classification: Likely pathogenic for Retinitis pigmentosa 7. Last evaluated: 2026-04-07. Review status: criteria provided, single submitter. Criteria: ACMG Guidelines, 2015. Collection method: clinical testing. Allele origin: germline. Affected: yes.
Comment: PVS1, PM2

First Genomix Gene Laboratory, Genetic Diagnostics Department
Classification: Likely pathogenic for Retinitis pigmentosa 7. Last evaluated: 2025-02-04. Review status: criteria provided, single submitter. Criteria: ACMG Guidelines, 2015. Collection method: clinical testing. Allele origin: germline. Inheritance: Autosomal recessive inheritance. Affected: no. Observed: 1 variant allele.

Blueprint Genetics
Classification: Uncertain significance. Last evaluated: 2024-05-06. Review status: criteria provided, single submitter. Criteria: ACMG Guidelines, 2015. Collection method: clinical testing. Allele origin: germline.

Labcorp Genetics (formerly Invitae), Labcorp
Classification: Uncertain significance. Last evaluated: 2023-12-11. Review status: criteria provided, single submitter. Criteria: Invitae Variant Classification Sherloc (09022015). Collection method: clinical testing. Allele origin: germline.
Comment: This sequence change creates a premature translational stop signal (p.Gly111Alafs*23) in the ROM1 gene. It is expected to result in an absent or disrupted protein product. However, the current clinical and genetic evidence is not sufficient to establish whether loss-of-function variants in ROM1 cause disease. This variant is not present in population databases (gnomAD no frequency). This variant has not been reported in the literature in individuals affected with ROM1-related conditions. In summary, the available evidence is currently insufficient to determine the role of this variant in disease. Therefore, it has been classified as a Variant of Uncertain Significance.

NM_000327.4(ROM1):c.332_338delinsCCCCCCCAGCACCA (p.Gly111fs)

Gene: ROM1 (retinal outer segment membrane protein 1; plus strand). Cytogenetic location: 11q12.3.
Variant type: Indel.
Coding change: c.332_338delinsCCCCCCCAGCACCA on transcript NM_000327.4 (MANE Select); coding-DNA positions 332 to 338, GGGGGGG replaced by CCCCCCCAGCACCA.
Protein change: p.Gly111fs; shifts the reading frame from glycine 111.
Molecular consequence: frameshift variant.
Genome position (GRCh38, 1-based): chr11:62,613,613-62,613,619, GGGGGGG replaced by CCCCCCCAGCACCA. VCF-style: chr11-62613613-GGGGGGG-CCCCCCCAGCACCA. GRCh37 (hg19) VCF-style: chr11-62381085-GGGGGGG-CCCCCCCAGCACCA.
Other names: short protein forms G111fs.
Identifiers: ClinVar variation 2918688 (VCV002918688.5), dbSNP rs1942950552, ClinGen allele CA1139661981.